The following is an entry in ClinVar:

NM_000257.4(MYH7):c.4603G>C (p.Ala1535Pro)

Genes: MHRT (myosin heavy chain associated RNA transcript; plus strand), MYH7 (myosin heavy chain 7; minus strand). Cytogenetic location: 14q11.2.
Variant type: single nucleotide variant.
Coding change: c.4603G>C on transcript NM_000257.4 (MANE Select); coding-DNA position 4603, G replaced by C.
Protein change: p.Ala1535Pro; replaces alanine 1535 with proline.
Molecular consequence: missense variant.
Genome position (GRCh38, 1-based): chr14:23,416,909, C>G on the plus strand (G>C on the coding strand, the complement: MYH7 is on the minus strand). VCF-style: chr14-23416909-C-G. GRCh37 (hg19) VCF-style: chr14-23886118-C-G.
Other names: c.4603G>C, p.Ala1535Pro (NM_001407004.1); short protein forms A1535P.
Identifiers: ClinVar variation 4114875 (VCV004114875.1).

ClinVar aggregate classification (germline): Uncertain significance (1 of 4 stars; one submission).

Conditions:
Cardiovascular phenotype. Identifiers: MedGen CN230736.

gnomAD v4.1: 1 of 1,614,268 alleles (0.000062%); no homozygotes.

Submission:

Ambry Genetics
Classification: Uncertain significance for Cardiovascular phenotype. Last evaluated: 2025-07-09. Review status: criteria provided, single submitter. Criteria: Ambry Variant Classification Scheme 2023. Collection method: clinical testing. Allele origin: germline.
Comment: The p.A1535P variant (also known as c.4603G>C), located in coding exon 31 of the MYH7 gene, results from a G to C substitution at nucleotide position 4603. The alanine at codon 1535 is replaced by proline, an amino acid with highly similar properties. This amino acid position is not well conserved in available vertebrate species. In addition, this alteration is predicted to be tolerated by in silico analysis. Based on the available evidence, the clinical significance of this variant remains unclear.